The following is an entry in ClinVar:

ClinVar aggregate classification (germline): Uncertain significance (1 of 4 stars; one submission).

Conditions:
Myoclonic epilepsy, juvenile, susceptibility to, 1. Also called: Myoclonic Epilepsy, Juvenile, 1; EJM1. Identifiers: MedGen C1850778, MONDO:0020752, OMIM 254770.
Absence seizure. Also called: Absence epilepsy. Identifiers: Orphanet 1941, MedGen C0014553.

Allele frequency attached by ClinVar (database versions not stated): ExAC 0.00001.

Submission:

Labcorp Genetics (formerly Invitae), Labcorp
Classification: Uncertain significance for Myoclonic epilepsy, juvenile, susceptibility to, 1; Absence seizure. Last evaluated: 2018-09-10. Review status: criteria provided, single submitter. Criteria: Invitae Variant Classification Sherloc (09022015). Collection method: clinical testing. Allele origin: germline.
Comment: This sequence change replaces threonine with asparagine at codon 237 of the EFHC1 protein (p.Thr237Asn). The threonine residue is highly conserved and there is a small physicochemical difference between threonine and asparagine. This variant is present in population databases (rs765821468, ExAC 0.01%). This variant has not been reported in the literature in individuals with EFHC1-related disease. Algorithms developed to predict the effect of missense changes on protein structure and function (SIFT, PolyPhen-2, Align-GVGD) all suggest that this variant is likely to be tolerated, but these predictions have not been confirmed by published functional studies and their clinical significance is uncertain. In summary, the available evidence is currently insufficient to determine the role of this variant in disease. Therefore, it has been classified as a Variant of Uncertain Significance.

NM_018100.4(EFHC1):c.710C>A (p.Thr237Asn)

Gene: EFHC1 (EF-hand domain containing 1; plus strand). Cytogenetic location: 6p12.2.
Variant type: single nucleotide variant.
Coding change: c.710C>A on transcript NM_018100.4 (MANE Select); coding-DNA position 710, C replaced by A.
Protein change: p.Thr237Asn; replaces threonine 237 with asparagine.
Molecular consequence: missense variant. On other transcripts: non-coding transcript variant (1).
Genome position (GRCh38, 1-based): chr6:52,452,824, C>A. VCF-style: chr6-52452824-C-A. GRCh37 (hg19) VCF-style: chr6-52317622-C-A.
Other names: c.653C>A, p.Thr218Asn (NM_001172420.2); short protein forms T218N, T237N.
Identifiers: ClinVar variation 656050 (VCV000656050.10), dbSNP rs765821468, ClinGen allele CA3855806.
Genomic context (GRCh38, chr6:52,452,824, plus strand): 5'-AACAGCCTCTTCGTAAGTATGTCACCCCATCAGACTTTGATCAACTCAAGCAATTTCTCA[C>A]CTTTGACAAACAGGTAAGTGACATAGGAACCACAATAGGCTTACTTATTTCCAAATGTGA-3'
Protein context (NP_060570.2, residues 227-247): SDFDQLKQFL[Thr237Asn]FDKQVLRFYA